The following is an entry in ClinVar:

NM_000059.4(BRCA2):c.4419C>G (p.Asn1473Lys)

Gene: BRCA2 (BRCA2 DNA repair associated; plus strand). Cytogenetic location: 13q13.1.
Variant type: single nucleotide variant.
Coding change: c.4419C>G on transcript NM_000059.4 (MANE Select); coding-DNA position 4419, C replaced by G.
Protein change: p.Asn1473Lys; replaces asparagine 1473 with lysine.
Molecular consequence: missense variant. On other transcripts: non-coding transcript variant (1), intron variant (2).
Genome position (GRCh38, 1-based): chr13:32,338,774, C>G. VCF-style: chr13-32338774-C-G. GRCh37 (hg19) VCF-style: chr13-32912911-C-G.
Other names: c.4419C>G, p.Asn1473Lys (NM_001406719.1, NM_001406720.1); c.1909+5387C>G (NM_001406721.1); c.425-5784C>G (NM_001406722.1); short protein forms N1473K.
Identifiers: ClinVar variation 2862500 (VCV002862500.3), dbSNP rs2072503843, ClinGen allele CA387781223.

ClinVar aggregate classification (germline): Uncertain significance (1 of 4 stars; one submission).

Conditions:
Hereditary breast ovarian cancer syndrome. Also called: Hereditary breast and ovarian cancer syndrome; Hereditary breast and/or ovarian cancer syndrome; BRCA1- and BRCA2-Associated Hereditary Breast and Ovarian Cancer; Hereditary breast and ovarian cancer syndrome (HBOC); Hereditary breast and ovarian cancer; Breast and ovarian cancer. Identifiers: Orphanet 145, MedGen C0677776, MeSH D061325, MONDO:0003582. Disease mechanism: loss of function.

Submission:

Labcorp Genetics (formerly Invitae), Labcorp
Classification: Uncertain significance for Hereditary breast ovarian cancer syndrome. Last evaluated: 2023-05-07. Review status: criteria provided, single submitter. Criteria: Invitae Variant Classification Sherloc (09022015). Collection method: clinical testing. Allele origin: germline.
Comment: This variant has not been reported in the literature in individuals affected with BRCA2-related conditions. This variant is not present in population databases (gnomAD no frequency). This sequence change replaces asparagine, which is neutral and polar, with lysine, which is basic and polar, at codon 1473 of the BRCA2 protein (p.Asn1473Lys). Advanced modeling of protein sequence and biophysical properties (such as structural, functional, and spatial information, amino acid conservation, physicochemical variation, residue mobility, and thermodynamic stability) performed at Invitae indicates that this missense variant is not expected to disrupt BRCA2 protein function. In summary, the available evidence is currently insufficient to determine the role of this variant in disease. Therefore, it has been classified as a Variant of Uncertain Significance.